The following is an entry in ClinVar:

ClinVar aggregate classification (germline): Uncertain significance (1 of 4 stars; one submission).

Conditions:
Charcot-Marie-Tooth disease type 2. Also called: Charcot-Marie-Tooth type 2. Identifiers: Orphanet 64746, MedGen C0270914, MONDO:0018993.

Allele frequency attached by ClinVar (database versions not stated): gnomAD exomes below 0.00001; TOPMed below 0.00001; gnomAD 0.00001.
gnomAD v4.1: 3 of 1,613,916 alleles (0.00019%); highest among the groups gnomAD compares: African/African-American, 0.004%; no homozygotes.

Submission:

Labcorp Genetics (formerly Invitae), Labcorp
Classification: Uncertain significance for Charcot-Marie-Tooth disease type 2. Last evaluated: 2024-08-05. Review status: criteria provided, single submitter. Criteria: Invitae Variant Classification Sherloc (09022015). Collection method: clinical testing. Allele origin: germline.
Comment: This sequence change disrupts the translational stop signal of the AARS mRNA. It is expected to extend the length of the AARS protein by 30 additional amino acid residues. This variant is not present in population databases (gnomAD no frequency). This variant has not been reported in the literature in individuals affected with AARS-related conditions. In summary, the available evidence is currently insufficient to determine the role of this variant in disease. Therefore, it has been classified as a Variant of Uncertain Significance.

NM_001605.3(AARS1):c.2906G>C (p.Ter969Ser)

Gene: AARS1 (alanyl-tRNA synthetase 1; minus strand). Cytogenetic location: 16q22.1.
Variant type: single nucleotide variant.
Coding change: c.2906G>C on transcript NM_001605.3 (MANE Select); coding-DNA position 2906, G replaced by C.
Protein change: p.Ter969Ser.
Molecular consequence: stop lost.
Genome position (GRCh38, 1-based): chr16:70,252,722, C>G on the plus strand (G>C on the coding strand, the complement: AARS1 is on the minus strand). VCF-style: chr16-70252722-C-G. GRCh37 (hg19) VCF-style: chr16-70286625-C-G.
Identifiers: ClinVar variation 2733163 (VCV002733163.3), dbSNP rs1173444960, ClinGen allele CA396553482.